The following is an entry in ClinVar:

NM_000548.5(TSC2):c.4741C>G (p.Leu1581Val)

Gene: TSC2 (TSC complex subunit 2; plus strand). Cytogenetic location: 16p13.3.
Variant type: single nucleotide variant.
Coding change: c.4741C>G on transcript NM_000548.5 (MANE Select); coding-DNA position 4741, C replaced by G.
Protein change: p.Leu1581Val; replaces leucine 1581 with valine.
Molecular consequence: missense variant. On other transcripts: non-coding transcript variant (5).
Genome position (GRCh38, 1-based): chr16:2,086,271, C>G. VCF-style: chr16-2086271-C-G. GRCh37 (hg19) VCF-style: chr16-2136272-C-G.
Other names: c.4528C>G, p.Leu1510Val (NM_001406673.1); c.4525C>G, p.Leu1509Val (NM_001406675.1); c.4522C>G, p.Leu1508Val (NM_001406676.1); c.4483C>G, p.Leu1495Val (NM_001406677.1); c.4429C>G, p.Leu1477Val (NM_001406678.1); c.4393C>G, p.Leu1465Val (NM_001406679.1); c.4141C>G, p.Leu1381Val (NM_001406680.1); c.4081C>G, p.Leu1361Val (NM_001406681.1); and 26 more; short protein forms L1089V, L1090V, L1110V, L1361V, L1381V, L1477V, L1511V, L1580V.
Identifiers: ClinVar variation 4192160 (VCV004192160.1).

ClinVar aggregate classification (germline): Uncertain significance (1 of 4 stars; one submission).

Conditions:
Hereditary cancer-predisposing syndrome. Also called: Neoplastic Syndromes, Hereditary; Tumor predisposition; Hereditary Cancer Syndrome; Hereditary neoplastic syndrome. Identifiers: Orphanet 140162, MedGen C0027672, MeSH D009386, MONDO:0015356.

Submission:

Ambry Genetics
Classification: Uncertain significance for Hereditary cancer-predisposing syndrome. Last evaluated: 2025-07-18. Review status: criteria provided, single submitter. Criteria: Ambry Variant Classification Scheme 2023. Collection method: clinical testing. Allele origin: germline.
Comment: The p.L1581V variant (also known as c.4741C>G), located in coding exon 36 of the TSC2 gene, results from a C to G substitution at nucleotide position 4741. The leucine at codon 1581 is replaced by valine, an amino acid with highly similar properties. This amino acid position is conserved. In addition, this alteration is predicted to be deleterious by in silico analysis. Based on the available evidence, the clinical significance of this variant remains unclear.